The following is an entry in ClinVar:

ClinVar aggregate classification (germline): Uncertain significance. Review status: criteria provided, multiple submitters, no conflicts (2 of 4 stars). 2 submissions from 2 submitters: Uncertain significance (2). Last evaluated 2025-04-25.

Conditions:
Inborn genetic diseases. Identifiers: MedGen C0950123, MeSH D030342.
Glycogen storage disease due to muscle and heart glycogen synthase deficiency. Also called: GSD 0b; MUSCLE GLYCOGEN SYNTHASE DEFICIENCY. Identifiers: Orphanet 137625, MedGen C1969054, MONDO:0012693, OMIM 611556.

Allele frequency attached by ClinVar (database versions not stated): gnomAD exomes below 0.00001; gnomAD 0.00003; TOPMed 0.00004.

Submissions (2):

Ambry Genetics
Classification: Uncertain significance for Inborn genetic diseases. Last evaluated: 2025-04-25. Review status: criteria provided, single submitter. Criteria: Ambry Variant Classification Scheme 2023. Collection method: clinical testing. Allele origin: germline.

Labcorp Genetics (formerly Invitae), Labcorp
Classification: Uncertain significance for Glycogen storage disease due to muscle and heart glycogen synthase deficiency. Last evaluated: 2023-07-17. Review status: criteria provided, single submitter. Criteria: Invitae Variant Classification Sherloc (09022015). Collection method: clinical testing. Allele origin: germline.
Comment: In summary, the available evidence is currently insufficient to determine the role of this variant in disease. Therefore, it has been classified as a Variant of Uncertain Significance. Advanced modeling of protein sequence and biophysical properties (such as structural, functional, and spatial information, amino acid conservation, physicochemical variation, residue mobility, and thermodynamic stability) performed at Invitae indicates that this missense variant is not expected to disrupt GYS1 protein function. ClinVar contains an entry for this variant (Variation ID: 1505056). This variant has not been reported in the literature in individuals affected with GYS1-related conditions. This variant is present in population databases (no rsID available, gnomAD no frequency). This sequence change replaces methionine, which is neutral and non-polar, with valine, which is neutral and non-polar, at codon 368 of the GYS1 protein (p.Met368Val).

NM_002103.5(GYS1):c.1102A>G (p.Met368Val)

Gene: GYS1 (glycogen synthase 1; minus strand). Cytogenetic location: 19q13.33.
Variant type: single nucleotide variant.
Coding change: c.1102A>G on transcript NM_002103.5 (MANE Select); coding-DNA position 1102, A replaced by G.
Protein change: p.Met368Val; replaces methionine 368 with valine.
Molecular consequence: missense variant. On other transcripts: non-coding transcript variant (1).
Genome position (GRCh38, 1-based): chr19:48,981,597, T>C on the plus strand (A>G on the coding strand, the complement: GYS1 is on the minus strand). VCF-style: chr19-48981597-T-C. GRCh37 (hg19) VCF-style: chr19-49484854-T-C.
Other names: c.1102A>G (NM_002103.4); c.910A>G, p.Met304Val (NM_001161587.2); short protein forms M368V, M304V.
Identifiers: ClinVar variation 1505056 (VCV001505056.8), dbSNP rs1239694022, ClinGen allele CA406763152.